The following is an entry in ClinVar:

NM_000222.3(KIT):c.*929G>A

Gene: KIT (KIT proto-oncogene, receptor tyrosine kinase; plus strand). Cytogenetic location: 4q12.
Variant type: single nucleotide variant.
Coding change: c.*929G>A on transcript NM_000222.3 (MANE Select); 929 bases downstream of the stop codon, G replaced by A.
Molecular consequence: 3 prime UTR variant.
Genome position (GRCh38, 1-based): chr4:54,739,486, G>A. VCF-style: chr4-54739486-G-A. GRCh37 (hg19) VCF-style: chr4-55605652-G-A.
Other names: c.*929G>A (NM_001093772.2, NM_001385284.1, NM_001385285.1 and 4 more transcripts).
Identifiers: ClinVar variation 900542 (VCV000900542.4), dbSNP rs572274912, ClinGen allele CA96884611.
Genomic context (GRCh38, chr4:54,739,486, plus strand): 5'-CTTTTAGCTGATGAACTTATTCTGTAGATTCTGTGGAACAAGCCTATCAGCTTCAGAATG[G>A]CATTGTACTCAATGGATTTGATGCTGTTTGACAAAGTTACTGATTCACTGCATGGCTCCC-3'

ClinVar aggregate classification (germline): Conflicting classifications of pathogenicity. Review status: criteria provided, conflicting classifications (1 of 4 stars). 3 submissions from 1 submitter: Uncertain significance (1); Benign (1); Likely benign (1). Last evaluated 2018-01-13.

Conditions:
Gastrointestinal stromal tumor. Also called: Gastrointestinal stroma tumor; Gastrointestinal stromal tumor, somatic. Identifiers: Orphanet 44890, MedGen C0238198, MeSH D046152, MONDO:0011719, OMIM 606764, HP:0100723.
Piebaldism. Also called: Piebald skin depigmentation. Identifiers: Orphanet 2884, MedGen C0080024, MONDO:0008244, OMIM 172800, HP:0007544.
Mastocytosis. Also called: Mast Cell Disease. Identifiers: Orphanet 98292, MedGen C0024899, MONDO:0007950, HP:0100495.

Allele frequency attached by ClinVar (database versions not stated): TOPMed 0.00019; 1000 Genomes Project 0.00040; 1000 Genomes Project 30x 0.00047.
gnomAD v4.1: 26 of 233,412 alleles (0.011%); highest among the groups gnomAD compares: East Asian, 0.14%; no homozygotes.

Submissions (3):

Illumina Laboratory Services, Illumina
Classification: Likely benign for Gastrointestinal stromal tumor. Last evaluated: 2018-01-13. Review status: criteria provided, single submitter. Criteria: ICSL Variant Classification Criteria 13 December 2019. Collection method: clinical testing. Allele origin: germline.
Comment: This variant was observed in the ICSL laboratory as part of a predisposition screen in an ostensibly healthy population. It had not been previously curated by ICSL or reported in the Human Gene Mutation Database (HGMD: prior to June 1st, 2018), and was therefore a candidate for classification through an automated scoring system. Utilizing variant allele frequency, disease prevalence and penetrance estimates, and inheritance mode, an automated score was calculated to assess if this variant is too frequent to cause the disease. Based on the score and internal cut-off values, a variant classified as likely benign is not then subjected to further curation. The score for this variant resulted in a classification of likely benign for this disease.

Illumina Laboratory Services, Illumina
Classification: Uncertain significance for Piebaldism. Last evaluated: 2018-01-13. Review status: criteria provided, single submitter. Criteria: ICSL Variant Classification Criteria 13 December 2019. Collection method: clinical testing. Allele origin: germline.

Illumina Laboratory Services, Illumina
Classification: Benign for Cutaneous mastocytosis. Last evaluated: 2018-01-13. Review status: criteria provided, single submitter. Criteria: ICSL Variant Classification Criteria 13 December 2019. Collection method: clinical testing. Allele origin: germline.
Comment: This variant was observed in the ICSL laboratory as part of a predisposition screen in an ostensibly healthy population. It had not been previously curated by ICSL or reported in the Human Gene Mutation Database (HGMD: prior to June 1st, 2018), and was therefore a candidate for classification through an automated scoring system. Utilizing variant allele frequency, disease prevalence and penetrance estimates, and inheritance mode, an automated score was calculated to assess if this variant is too frequent to cause the disease. Based on the score and internal cut-off values, a variant classified as benign is not then subjected to further curation. The score for this variant resulted in a classification of benign for this disease.